The following is an entry in ClinVar:

NM_000219.6(KCNE1):c.31_118del (p.Pro11fs)

Gene: KCNE1 (potassium voltage-gated channel subfamily E regulatory subunit 1; minus strand). Cytogenetic location: 21q22.12.
Variant type: Deletion.
Coding change: c.31_118del on transcript NM_000219.6 (MANE Select); coding-DNA positions 31 to 118, 88 bases deleted.
Protein change: p.Pro11fs; shifts the reading frame from proline 11.
Molecular consequence: frameshift variant.
Genome position (GRCh38, 1-based): chr21:34,449,517-34,449,604, 88 bases deleted. GRCh37 (hg19): chr21:35,821,821-35,821,908.
Other names: c.31_118del, p.Pro11fs (NM_001127668.4, NM_001127669.4, NM_001127670.4 and 4 more transcripts); c.31_118del (NM_000219.3); short protein forms P11fs.
Identifiers: ClinVar variation 1202620 (VCV001202620.4), dbSNP rs1981025573, ClinGen allele CA1022001449.

ClinVar aggregate classification (germline): Conflicting classifications of pathogenicity. Review status: criteria provided, conflicting classifications (1 of 4 stars). 3 submissions from 3 submitters: Likely pathogenic (1); Uncertain significance (1); Likely benign (1). Last evaluated 2025-03-19.

Conditions:
Long QT syndrome 5 (LQT5). Identifiers: Orphanet 101016, Orphanet 768, MedGen C1867904, MONDO:0013372, OMIM 613695.

Submissions (3):

Dasa
Classification: Likely benign. Last evaluated: 2025-03-19. Review status: criteria provided, single submitter. Criteria: DASA Assertion Criteria. Collection method: clinical testing. Allele origin: germline.
Comment: NM_000219.6(KCNE1):c.31_118del (p.Pro11Alafs*24) introduces a premature termination codon predicted to result in loss of normal protein function. Loss-of-function is an established mechanism of disease for this gene. Based on the available data, this variant is classified as likely benign.

GeneDx
Classification: Uncertain significance. Last evaluated: 2024-04-24. Review status: criteria provided, single submitter. Criteria: GeneDx Variant Classification Process June 2021. Collection method: clinical testing. Allele origin: germline. Affected: yes.
Comment: Reported in an individual with LQTS in published literature (PMID: 36204818); Not observed at significant frequency in large population cohorts (gnomAD); Frameshift variant predicted to result in protein truncation in a gene or region of a gene for which loss of function is not a well-established mechanism of disease; This variant is associated with the following publications: (PMID: 36204818)

Departamento de Patología, Instituto de Genética, Universidad Nacional de Colombia
Classification: Likely pathogenic for Long QT syndrome 5. Last evaluated: 2021-07-16. Review status: criteria provided, single submitter. Criteria: ACMG Guidelines, 2015. Collection method: clinical testing. Allele origin: germline. Affected: yes. Observed: 2 variant alleles.
Comment: The p.P11Afs*24 probably pathogenic variant, located in coding exon 3 of the KCNE1 gene, results from an 88 nucleotide deletion, causing a frameshift and subsequent stop codon. Null variants in the KCNE1 gene cause loss of function which is a known mechanism of Long QT syndrome 5 and Jervell and Lange-Nielsen syndrome 2. This variant was found in two unrelated patients with a LQTS diagnosis. This variant is not found in gnomAD exomes or genomes. In summary, this variant meets criteria to be classified as probably pathogenic. PVS1, PM2

Literature cited by the submitters: PubMed 7828904 (cited by Departamento de Patología, Instituto de Genética, Universidad Nacional de Colombia); PubMed 33693037 (cited by Departamento de Patología, Instituto de Genética, Universidad Nacional de Colombia); PubMed 15840476 (cited by Departamento de Patología, Instituto de Genética, Universidad Nacional de Colombia); PubMed 9445165 (cited by Departamento de Patología, Instituto de Genética, Universidad Nacional de Colombia); PubMed 16922724 (cited by Departamento de Patología, Instituto de Genética, Universidad Nacional de Colombia); PubMed 14760488 (cited by Departamento de Patología, Instituto de Genética, Universidad Nacional de Colombia); PubMed 10973849 (cited by Departamento de Patología, Instituto de Genética, Universidad Nacional de Colombia).